The following is an entry in ClinVar:

NM_001852.4(COL9A2):c.493G>A (p.Gly165Ser)

Gene: COL9A2 (collagen type IX alpha 2 chain; minus strand). Cytogenetic location: 1p34.2.
Variant type: single nucleotide variant.
Coding change: c.493G>A on transcript NM_001852.4 (MANE Select); coding-DNA position 493, G replaced by A.
Protein change: p.Gly165Ser; replaces glycine 165 with serine.
Molecular consequence: missense variant.
Genome position (GRCh38, 1-based): chr1:40,311,526, C>T on the plus strand (G>A on the coding strand, the complement: COL9A2 is on the minus strand). VCF-style: chr1-40311526-C-T. GRCh37 (hg19) VCF-style: chr1-40777198-C-T.
Other names: short protein forms G165S.
Identifiers: ClinVar variation 2847092 (VCV002847092.3), dbSNP rs1348900011, ClinGen allele CA339856066.
Genomic context (GRCh38, chr1:40,311,526, plus strand): 5'-CTGTGTTAGCCCCGCCCCAGACCTCGTCTCTCACCAGGAAATCCGCACTGCCTTCCAGAC[C>T]CTGGATGGTTCCCGGGCGACCCTGAGAGGAGACATGAAGATGGAGCTTGGCCTGACCCTT-3'
Protein context (NP_001843.1, residues 155-175): GKPGRPGTIQ[Gly165Ser]LEGSADFLCP

ClinVar aggregate classification (germline): Uncertain significance (1 of 4 stars; one submission).

Allele frequency attached by ClinVar (database versions not stated): gnomAD exomes below 0.00001; TOPMed 0.00001.
gnomAD v4.1: 1 of 1,613,876 alleles (0.000062%); highest among the groups gnomAD compares: Non-Finnish European, 0.000085%; no homozygotes.

Submission:

Labcorp Genetics (formerly Invitae), Labcorp
Classification: Uncertain significance. Last evaluated: 2023-03-18. Review status: criteria provided, single submitter. Criteria: Invitae Variant Classification Sherloc (09022015). Collection method: clinical testing. Allele origin: germline.
Comment: In summary, the available evidence is currently insufficient to determine the role of this variant in disease. Therefore, it has been classified as a Variant of Uncertain Significance. An algorithm developed to predict the effect of missense changes on protein structure and function (PolyPhen-2) suggests that this variant is likely to be disruptive. This variant has not been reported in the literature in individuals affected with COL9A2-related conditions. This variant is not present in population databases (gnomAD no frequency). This sequence change replaces glycine, which is neutral and non-polar, with serine, which is neutral and polar, at codon 165 of the COL9A2 protein (p.Gly165Ser).